The following is an entry in ClinVar:

ClinVar aggregate classification (germline): Pathogenic/Likely pathogenic. Review status: criteria provided, multiple submitters, no conflicts (2 of 4 stars). 4 submissions from 4 submitters: Pathogenic (1); Likely pathogenic (2). 1 of the submissions does not count toward it. Last evaluated 2026-07-17.

Conditions:
Spastic paraplegia. Identifiers: MedGen C0037772, HP:0001258.
Charlevoix-Saguenay spastic ataxia (SACS). Also called: SPASTIC ATAXIA 6, AUTOSOMAL RECESSIVE; Spastic ataxia of Charlevoix-Saguenay; AUTOSOMAL RECESSIVE SPASTIC ATAXIA OF CHARLEVOIX-SAGUENAY. Identifiers: Orphanet 98, MedGen C1849140, MONDO:0010041, OMIM 270550.

Allele frequency attached by ClinVar (database versions not stated): ExAC 0.00001; gnomAD exomes 0.00001 and 0.00002.
gnomAD v4.1: 4 of 1,613,966 alleles (0.00025%); highest among the groups gnomAD compares: Admixed American, 0.0067%; no homozygotes.

Submissions (4):

GeneDx
Classification: Likely pathogenic. Last evaluated: 2026-07-17. Review status: criteria provided, single submitter. Criteria: GeneDx Variant Classification Process June 2021. Collection method: clinical testing. Allele origin: germline.
Comment: Nonsense variant predicted to result in protein truncation, as the last 3594 amino acid(s) are lost, and other loss-of-function variants have been reported downstream in HGMD; Not observed at significant frequency in large population cohorts (gnomAD); Has not been previously published as pathogenic or benign to our knowledge

3billion
Classification: Likely pathogenic for Charlevoix-Saguenay spastic ataxia. Last evaluated: 2025-05-26. Review status: criteria provided, single submitter. Criteria: ACMG Guidelines, 2015. Collection method: clinical testing. Allele origin: germline. Affected: yes.
Comment: The variant is observed at an extremely low frequency in the gnomAD v4.1.0 dataset (total allele frequency: <0.001%). Predicted Consequence/Location: Stop-gained (nonsense): predicted to result in a loss or disruption of normal protein function through protein truncation. The predicted truncated protein may be shortened by more than 10%. The variant has been reported to be associated with SACS-related disorder (ClinVar ID: VCV000371600). Therefore, this variant is classified as Likely pathogenic according to the recommendation of ACMG/AMP guideline.

Labcorp Genetics (formerly Invitae), Labcorp
Classification: Pathogenic for Spastic paraplegia. Last evaluated: 2025-04-13. Review status: criteria provided, single submitter. Criteria: Invitae Variant Classification Sherloc (09022015). Collection method: clinical testing. Allele origin: germline.
Comment: This sequence change creates a premature translational stop signal (p.Leu986*) in the SACS gene. While this is not anticipated to result in nonsense mediated decay, it is expected to disrupt the last 3594 amino acid(s) of the SACS protein. This variant is present in population databases (rs766457071, gnomAD 0.009%). This variant has not been reported in the literature in individuals affected with SACS-related conditions. ClinVar contains an entry for this variant (Variation ID: 371600). This variant disrupts a region of the SACS protein in which other variant(s) (p.Asp4464Val) have been determined to be pathogenic (internal data). This suggests that this is a clinically significant region of the protein, and that variants that disrupt it are likely to be disease-causing. For these reasons, this variant has been classified as Pathogenic.

Counsyl
Classification: Likely pathogenic for Charlevoix-Saguenay spastic ataxia. Last evaluated: 2016-10-27. Review status: no assertion criteria provided. Collection method: clinical testing. Allele origin: unknown. Not counted in ClinVar's aggregate classification.

NM_014363.6(SACS):c.2957T>A (p.Leu986Ter)

Gene: SACS (sacsin molecular chaperone; minus strand). Cytogenetic location: 13q12.12.
Variant type: single nucleotide variant.
Coding change: c.2957T>A on transcript NM_014363.6 (MANE Select); coding-DNA position 2957, T replaced by A.
Protein change: p.Leu986Ter; replaces leucine 986 with a stop codon.
Molecular consequence: nonsense.
Genome position (GRCh38, 1-based): chr13:23,340,919, A>T on the plus strand (T>A on the coding strand, the complement: SACS is on the minus strand). VCF-style: chr13-23340919-A-T. GRCh37 (hg19) VCF-style: chr13-23915058-A-T.
Other names: c.2516T>A, p.Leu839Ter (NM_001278055.2); short protein forms L986*, L839*.
Identifiers: ClinVar variation 371600 (VCV000371600.7), dbSNP rs766457071, ClinGen allele CA6911585.
Genomic context (GRCh38, chr13:23,340,919, plus strand): 5'-TGTGAATAAAATGCATTTTCAATATCTTTTAAAACAAGCTTTAAGCAGCTAGTGGTCTTT[A>T]ACTGTTCTATTTTCAACATGTTTGCCAGACGAATAGTAGCTTCATCACTACTGTCTATTA-3'